The following is an entry in ClinVar:

NM_015294.6(TRIM37):c.2029dup (p.Arg677fs)

Gene: TRIM37 (tripartite motif containing 37; minus strand). Cytogenetic location: 17q22.
Variant type: Duplication.
Coding change: c.2029dup on transcript NM_015294.6 (MANE Select); coding-DNA position 2029, one base duplicated (A; older notation c.2029dupA).
Protein change: p.Arg677fs; shifts the reading frame from arginine 677.
Molecular consequence: frameshift variant. On other transcripts: non-coding transcript variant (2).
Genome position (GRCh38, 1-based): chr17:59,028,643, T duplicated on the plus strand (A on the coding strand, the reverse complement: TRIM37 is on the minus strand); the first of 5 consecutive T bases (chr17:59,028,643-59,028,647); duplicating any one gives the same sequence. VCF-style (leftmost placement, unchanged base first): chr17-59028642-C-CT. GRCh37 (hg19) VCF-style: chr17-57106003-C-CT.
Other names: c.2029dup, p.Arg677fs (NM_001005207.5, NM_001320988.3, NM_001320989.3 and 1 more transcripts); c.1927dup, p.Arg643fs (NM_001320987.3, NM_001353082.2); c.1663dup, p.Arg555fs (NM_001320990.3); c.1294dup, p.Arg432fs (NM_001353083.2); c.1567dup, p.Arg523fs (NM_001353085.2); c.1978dup, p.Arg660fs (NM_001353086.2); short protein forms R432fs, R523fs, R555fs, R643fs, R660fs, R677fs.
Identifiers: ClinVar variation 2726637 (VCV002726637.3), dbSNP rs1348488525, ClinGen allele CA2697560284.

ClinVar aggregate classification (germline): Pathogenic (1 of 4 stars; one submission).

Submission:

Labcorp Genetics (formerly Invitae), Labcorp
Classification: Pathogenic. Last evaluated: 2023-05-26. Review status: criteria provided, single submitter. Criteria: Invitae Variant Classification Sherloc (09022015). Collection method: clinical testing. Allele origin: germline.
Comment: For these reasons, this variant has been classified as Pathogenic. This sequence change creates a premature translational stop signal (p.Arg677Lysfs*15) in the TRIM37 gene. It is expected to result in an absent or disrupted protein product. Loss-of-function variants in TRIM37 are known to be pathogenic (PMID: 10888877, 15108285). This variant is not present in population databases (gnomAD no frequency). This variant has not been reported in the literature in individuals affected with TRIM37-related conditions.

Literature cited by the submitters: PubMed 10888877; PubMed 15108285.